The following is an entry in ClinVar:

ClinVar aggregate classification (germline): Conflicting classifications of pathogenicity. Review status: criteria provided, conflicting classifications (1 of 4 stars). 4 submissions from 4 submitters: Uncertain significance (3); Likely benign (1). Last evaluated 2026-03-01.

Conditions:
Inclusion body myopathy with early-onset Paget disease with or without frontotemporal dementia 2 (IBMPFD2). Also called: MULTISYSTEM PROTEINOPATHY 2. Identifiers: MedGen C3809468, MONDO:0014178, OMIM 615422.

Submissions (4):

CeGaT Center for Human Genetics Tuebingen
Classification: Likely benign. Last evaluated: 2026-03-01. Review status: criteria provided, single submitter. Criteria: CeGaT Center For Human Genetics Tuebingen Variant Classification Criteria Version 2. Collection method: clinical testing. Allele origin: germline. Affected: yes. Observed: 3 variant alleles.
Comment: HNRNPA2B1: PM4:Supporting, BS2

Labcorp Genetics (formerly Invitae), Labcorp
Classification: Uncertain significance for Inclusion body myopathy with early-onset Paget disease with or without frontotemporal dementia 2. Last evaluated: 2025-12-24. Review status: criteria provided, single submitter. Criteria: Invitae Variant Classification Sherloc (09022015). Collection method: clinical testing. Allele origin: germline.
Comment: This variant, c.967_969del, results in the deletion of 1 amino acid(s) of the HNRNPA2B1 protein (p.Gly323del), but otherwise preserves the integrity of the reading frame. This variant is present in population databases (rs776731510, gnomAD 0.02%). This variant has not been reported in the literature in individuals affected with HNRNPA2B1-related conditions. ClinVar contains an entry for this variant (Variation ID: 810077). Experimental studies and prediction algorithms are not available or were not evaluated, and the functional significance of this variant is currently unknown. In summary, the available evidence is currently insufficient to determine the role of this variant in disease. Therefore, it has been classified as a Variant of Uncertain Significance.

Revvity Omics, Revvity
Classification: Uncertain significance. Last evaluated: 2019-10-23. Review status: criteria provided, single submitter. Criteria: ACMG Guidelines, 2015. Collection method: clinical testing. Allele origin: germline.

Neuberg Centre For Genomic Medicine, NCGM
Classification: Uncertain significance for Inclusion body myopathy with early-onset Paget disease with or without frontotemporal dementia 2. Review status: criteria provided, single submitter. Criteria: ACMG Guidelines, 2015. Collection method: clinical testing. Allele origin: germline. Inheritance: Autosomal dominant inheritance. Affected: yes.
Comment: The inframe deletion c.931_933del (p.Gly311del) variant in HNRNPA2B1 gene has not been reported previously as a pathogenic variant nor as a benign variant, to our knowledge. The p.Gly311del variant is reported with an allele frequency of 0.01 in the gnomAD exomes database and is novel (not in any individuals) in 1000 Genomes database. This variant has been reported to the ClinVar database as Uncertain Significance. This p.Gly311del causes deletion of amino acid Glycine at position 311. For these reasons, this variant has been classified as a Variant of Uncertain Significance (VUS).

NM_002137.4(HNRNPA2B1):c.928GGT[1] (p.Gly311del)

Gene: HNRNPA2B1 (heterogeneous nuclear ribonucleoprotein A2/B1; minus strand). Cytogenetic location: 7p15.2.
Variant type: Microsatellite.
Coding change: c.928GGT[1] on transcript NM_002137.4 (MANE Select); one copy of the 3-base unit GGT starting at c.928; the reference has two copies in a row; one copy, 3 bases deleted; also written c.931_933del.
Protein change: p.Gly311del; deletes glycine 311.
Molecular consequence: inframe deletion. On other transcripts: inframe indel (1).
Genome position (GRCh38, 1-based): chr7:26,193,282-26,193,284, ACC deleted on the plus strand (GGT on the coding strand, the reverse complement: HNRNPA2B1 is on the minus strand); deleting any 3 consecutive bases within chr7:26,193,282-26,193,288 gives the same sequence; the position shown is the placement nearest the transcript's 3' end. VCF-style (leftmost placement, unchanged base first): chr7-26193281-TACC-T. GRCh37 (hg19) VCF-style: chr7-26232901-TACC-T.
Other names: c.963_965TGG[1], p.Gly323del (NM_031243.4); c.967_969del (NM_031243.3); c.931_933del (NM_002137.4); short protein forms G311del, G323del.
Identifiers: ClinVar variation 810077 (VCV000810077.52), dbSNP rs776731510, ClinGen allele CA4194415.